The following is an entry in ClinVar:

NM_001084.5(PLOD3):c.367A>G (p.Thr123Ala)

Gene: PLOD3 (procollagen-lysine,2-oxoglutarate 5-dioxygenase 3; minus strand). Cytogenetic location: 7q22.1.
Variant type: single nucleotide variant.
Coding change: c.367A>G on transcript NM_001084.5 (MANE Select); coding-DNA position 367, A replaced by G.
Protein change: p.Thr123Ala; replaces threonine 123 with alanine.
Molecular consequence: missense variant.
Genome position (GRCh38, 1-based): chr7:101,216,298, T>C on the plus strand (A>G on the coding strand, the complement: PLOD3 is on the minus strand). VCF-style: chr7-101216298-T-C. GRCh37 (hg19) VCF-style: chr7-100859579-T-C.
Other names: short protein forms T123A.
Identifiers: ClinVar variation 1954272 (VCV001954272.5), dbSNP rs771170655, ClinGen allele CA4408210.

ClinVar aggregate classification (germline): Uncertain significance (1 of 4 stars; one submission).

Allele frequency attached by ClinVar (database versions not stated): gnomAD exomes below 0.00001; ExAC 0.00002.
gnomAD v4.1: 4 of 1,613,370 alleles (0.00025%); highest among the groups gnomAD compares: South Asian, 0.0044%; no homozygotes.

Submission:

Labcorp Genetics (formerly Invitae), Labcorp
Classification: Uncertain significance. Last evaluated: 2024-10-28. Review status: criteria provided, single submitter. Criteria: Invitae Variant Classification Sherloc (09022015). Collection method: clinical testing. Allele origin: germline.
Comment: This sequence change replaces threonine, which is neutral and polar, with alanine, which is neutral and non-polar, at codon 123 of the PLOD3 protein (p.Thr123Ala). This variant is present in population databases (rs771170655, gnomAD 0.006%). This variant has not been reported in the literature in individuals affected with PLOD3-related conditions. ClinVar contains an entry for this variant (Variation ID: 1954272). An algorithm developed to predict the effect of missense changes on protein structure and function outputs the following: PolyPhen-2: "Benign". The alanine amino acid residue is found in multiple mammalian species, which suggests that this missense change does not adversely affect protein function. In summary, the available evidence is currently insufficient to determine the role of this variant in disease. Therefore, it has been classified as a Variant of Uncertain Significance.